The following is an entry in ClinVar:

ClinVar aggregate classification (germline): Pathogenic (1 of 4 stars; one submission).

Conditions:
Multiple endocrine neoplasia type 4. Also called: MULTIPLE ENDOCRINE NEOPLASIA, TYPE IV. Identifiers: Orphanet 276152, MedGen C1970712, MONDO:0012552, OMIM 610755.

Submission:

Labcorp Genetics (formerly Invitae), Labcorp
Classification: Pathogenic for Multiple endocrine neoplasia type 4. Last evaluated: 2022-06-09. Review status: criteria provided, single submitter. Criteria: Invitae Variant Classification Sherloc (09022015). Collection method: clinical testing. Allele origin: germline.
Comment: For these reasons, this variant has been classified as Pathogenic. ClinVar contains an entry for this variant (Variation ID: 1069331). This variant has not been reported in the literature in individuals affected with CDKN1B-related conditions. This variant is not present in population databases (gnomAD no frequency). This sequence change creates a premature translational stop signal (p.Ser27Cysfs*97) in the CDKN1B gene. It is expected to result in an absent or disrupted protein product. Loss-of-function variants in CDKN1B are known to be pathogenic (PMID: 17030811, 24819502).

Literature cited by the submitters: PubMed 17030811; PubMed 24819502.

NM_004064.5(CDKN1B):c.80_81del (p.Ser27fs)

Gene: CDKN1B (cyclin dependent kinase inhibitor 1B; plus strand). Cytogenetic location: 12p13.1.
Variant type: Deletion.
Coding change: c.80_81del on transcript NM_004064.5 (MANE Select); coding-DNA positions 80 to 81, 2 bases deleted (CG; older notation c.80_81delCG).
Protein change: p.Ser27fs; shifts the reading frame from serine 27.
Molecular consequence: frameshift variant.
Genome position (GRCh38, 1-based): chr12:12,717,919-12,717,920, CG deleted. VCF-style (leftmost placement, unchanged base first): chr12-12717918-TCG-T. GRCh37 (hg19) VCF-style: chr12-12870852-TCG-T.
Other names: short protein forms S27fs.
Identifiers: ClinVar variation 1069331 (VCV001069331.7), dbSNP rs2136355500, ClinGen allele CA2499221482.